The following is an entry in ClinVar:

ClinVar aggregate classification (germline): Likely benign (0 of 4 stars; one submission).

Conditions:
ESCO2-related disorder. Also called: ESCO2-related condition.

Submission:

PreventionGenetics, part of Exact Sciences
Classification: Likely benign for ESCO2-related condition. Last evaluated: 2020-03-17. Review status: no assertion criteria provided. Collection method: clinical testing. Allele origin: germline.
Comment: This variant is classified as likely benign based on ACMG/AMP sequence variant interpretation guidelines (Richards et al. 2015 PMID: 25741868, with internal and published modifications).

NM_001017420.3(ESCO2):c.54-14_54-11del

Gene: ESCO2 (establishment of sister chromatid cohesion N-acetyltransferase 2; plus strand). Cytogenetic location: 8p21.1.
Variant type: Deletion.
Coding change: c.54-14_54-11del on transcript NM_001017420.3 (MANE Select); 14 bases into the intron before coding-DNA position 54 through 11 bases into the intron before coding-DNA position 54, 4 bases deleted (GTTT; older notation c.54-14_54-11delGTTT).
Molecular consequence: intron variant.
Genome position (GRCh38, 1-based): chr8:27,776,348-27,776,351, GTTT deleted; deleting any 4 consecutive bases within chr8:27,776,345-27,776,351 gives the same sequence; the c. name uses the placement nearest the transcript's 3' end. VCF-style (leftmost placement, unchanged base first): chr8-27776344-CTTTG-C. GRCh37 (hg19) VCF-style: chr8-27633861-CTTTG-C.
Identifiers: ClinVar variation 3057323 (VCV003057323.2), dbSNP rs569042315, ClinGen allele CA174252670.
Genomic context (GRCh38, chr8:27,776,344, plus strand): 5'-TAGAGCTTACTTAGCAGTAGATTTATGTAAATTTTGACGCAAAATAATCTTATCAATGGA[CTTTG>C]TTTCTTTTTATAGCCTTTTACACTTCACTGAAAATCTGTTTCCATCACCTAATAAAAAGC-3'